The following is an entry in ClinVar:

ClinVar aggregate classification (germline): Uncertain significance. Review status: criteria provided, multiple submitters, no conflicts (2 of 4 stars). 2 submissions from 2 submitters: Uncertain significance (2). Last evaluated 2025-02-05.

Conditions:
Hereditary spastic paraplegia 53. Also called: Spastic paraplegia 53, autosomal recessive. Identifiers: Orphanet 319199, MedGen C3539494, MONDO:0013962, OMIM 614898.

Allele frequency attached by ClinVar (database versions not stated): TOPMed 0.00002.
gnomAD v4.1: 19 of 1,613,424 alleles (0.0012%); highest among the groups gnomAD compares: Non-Finnish European, 0.0016%; no homozygotes.

Submissions (2):

Ambry Genetics
Classification: Uncertain significance. Last evaluated: 2025-02-05. Review status: criteria provided, single submitter. Criteria: Ambry Variant Classification Scheme 2023. Collection method: clinical testing. Allele origin: germline.

Labcorp Genetics (formerly Invitae), Labcorp
Classification: Uncertain significance for Hereditary spastic paraplegia 53. Last evaluated: 2019-10-19. Review status: criteria provided, single submitter. Criteria: Invitae Variant Classification Sherloc (09022015). Collection method: clinical testing. Allele origin: germline.
Comment: This sequence change replaces serine with cysteine at codon 142 of the VPS37A protein (p.Ser142Cys). The serine residue is moderately conserved and there is a moderate physicochemical difference between serine and cysteine. This variant is not present in population databases (ExAC no frequency). This variant has not been reported in the literature in individuals with VPS37A-related conditions. Algorithms developed to predict the effect of missense changes on protein structure and function are either unavailable or do not agree on the potential impact of this missense change (SIFT: "Deleterious"; PolyPhen-2: "Possibly Damaging"; Align-GVGD: "Class C0"). In summary, the available evidence is currently insufficient to determine the role of this variant in disease. Therefore, it has been classified as a Variant of Uncertain Significance.

NM_152415.3(VPS37A):c.424A>T (p.Ser142Cys)

Gene: VPS37A (VPS37A subunit of ESCRT-I; plus strand). Cytogenetic location: 8p22.
Variant type: single nucleotide variant.
Coding change: c.424A>T on transcript NM_152415.3 (MANE Select); coding-DNA position 424, A replaced by T.
Protein change: p.Ser142Cys; replaces serine 142 with cysteine.
Molecular consequence: missense variant.
Genome position (GRCh38, 1-based): chr8:17,274,740, A>T. VCF-style: chr8-17274740-A-T. GRCh37 (hg19) VCF-style: chr8-17132249-A-T.
Other names: c.349A>T, p.Ser117Cys (NM_001145152.2); c.424A>T, p.Ser142Cys (NM_001363167.1, NM_001363173.2); c.154A>T, p.Ser52Cys (NM_001363168.1, NM_001363169.1, NM_001363170.1 and 2 more transcripts); short protein forms S117C, S142C, S52C.
Identifiers: ClinVar variation 971130 (VCV000971130.8), dbSNP rs371463914, ClinGen allele CA370401131.
Genomic context (GRCh38, chr8:17,274,740, plus strand): 5'-GACATGTTTTATCCATAAAATCTAATGTAATGATCTTCTCTTTTTCTTTTCAGTCTATAC[A>T]GTAACCCAAGTGGGATGTCTCCTTATGCTTCTCAGGGTTTTCCATTTCTTCCTCCATATC-3'
Protein context (NP_689628.2, residues 132-152): PTSTAFPYLY[Ser142Cys]NPSGMSPYAS